The following is an entry in ClinVar:

ClinVar aggregate classification (germline): Likely pathogenic (1 of 4 stars; one submission).

Conditions:
Mucopolysaccharidosis type 6 (MPS6). Also called: N-ACETYLGALACTOSAMINE-4-SULFATASE DEFICIENCY; MPS VI; MPS 6; Maroteaux Lamy syndrome; ARSB DEFICIENCY; ARYLSULFATASE B DEFICIENCY. Identifiers: Orphanet 583, MedGen C0026709, MONDO:0009661, OMIM 253200.

Submission:

Laboratory of Diagnosis and Therapy of Lysosomal Disorders, University of Padova
Classification: Likely pathogenic for Mucopolysaccharidosis type 6. Last evaluated: 2018-01-01. Review status: criteria provided, single submitter. Criteria: ACMG Guidelines, 2015. Collection method: curation. Allele origin: germline. Affected: yes.
Comment: Frameshift variant (PVS1); Absent from GnomAD (PM2)

Incorrectly reported by Isbrandt (1994) Am J Hum Genet 54, 454 as c.1285_1286insT

Literature cited by the submitters: PubMed 8116615; PubMed 30118150.

NM_000046.5(ARSB):c.1286dup (p.His430fs)

Gene: ARSB (arylsulfatase B; minus strand). Cytogenetic location: 5q14.1.
Variant type: Duplication.
Coding change: c.1286dup on transcript NM_000046.5 (MANE Select); coding-DNA position 1286, one base duplicated (T; older notation c.1286dupT).
Protein change: p.His430fs; shifts the reading frame from histidine 430.
Molecular consequence: frameshift variant.
Genome position (GRCh38, 1-based): chr5:78,781,902, A duplicated on the plus strand (T on the coding strand, the reverse complement: ARSB is on the minus strand). VCF-style (leftmost placement, unchanged base first): chr5-78781901-G-GA. GRCh37 (hg19) VCF-style: chr5-78077724-G-GA.
Other names: short protein forms H430fs.
Identifiers: ClinVar variation 559696 (VCV000559696.1), dbSNP rs1554069786, ClinGen allele CA658822425.